The following is an entry in ClinVar:

NM_015404.4(WHRN):c.929_948dup (p.Gly317fs)

Gene: WHRN (whirlin; minus strand). Cytogenetic location: 9q32.
Variant type: Duplication.
Coding change: c.929_948dup on transcript NM_015404.4 (MANE Select); coding-DNA positions 929 to 948, 20 bases duplicated (ACCCAGGCTCTGAAGCAGAA).
Protein change: p.Gly317fs; shifts the reading frame from glycine 317.
Molecular consequence: frameshift variant. On other transcripts: 5 prime UTR variant (1).
Genome position (GRCh38, 1-based): chr9:114,466,282-114,466,301, TTCTGCTTCAGAGCCTGGGT duplicated on the plus strand (ACCCAGGCTCTGAAGCAGAA on the coding strand, the reverse complement: WHRN is on the minus strand). VCF-style (leftmost placement, unchanged base first): chr9-114466281-C-CTTCTGCTTCAGAGCCTGGGT. GRCh37 (hg19) VCF-style: chr9-117228561-C-CTTCTGCTTCAGAGCCTGGGT.
Other names: c.-221_-202dup (NM_001083885.3); c.929_948dup, p.Gly317fs (NM_001173425.2); short protein forms G317fs.
Identifiers: ClinVar variation 1457607 (VCV001457607.6), dbSNP rs2132954843, ClinGen allele CA2573143846.

ClinVar aggregate classification (germline): Pathogenic (1 of 4 stars; one submission).

Submission:

Labcorp Genetics (formerly Invitae), Labcorp
Classification: Pathogenic. Last evaluated: 2021-08-27. Review status: criteria provided, single submitter. Criteria: Invitae Variant Classification Sherloc (09022015). Collection method: clinical testing. Allele origin: germline.
Comment: This sequence change creates a premature translational stop signal (p.Gly317Thrfs*18) in the WHRN gene. It is expected to result in an absent or disrupted protein product. Loss-of-function variants in WHRN are known to be pathogenic (PMID: 12833159, 15841483, 22147658). This variant is not present in population databases (ExAC no frequency). This variant has not been reported in the literature in individuals affected with WHRN-related conditions. For these reasons, this variant has been classified as Pathogenic.

Literature cited by the submitters: PubMed 12833159; PubMed 15841483; PubMed 22147658.